The following is an entry in ClinVar:

ClinVar aggregate classification (germline): Pathogenic (1 of 4 stars; one submission).

Submission:

GeneDx
Classification: Pathogenic. Last evaluated: 2016-06-14. Review status: criteria provided, single submitter. Criteria: GeneDx Variant Classification (06012015). Collection method: clinical testing. Allele origin: germline. Affected: yes.
Comment: The c.1243_1259del17 pathogenic variant in the AMER1 gene has not been reported previously as a pathogenic variant nor as a benign variant, to our knowledge. This variant causes a frameshift starting with codon Methionine 415, changes this amino acid to a Tyrosine residue, and creates a premature Stop codon at position 20 of the new reading frame, denoted p.Met415TyrfsX20. This variant is predicted to cause loss of normal protein function through protein truncation, as the last 721 amino acids of the protein are replaced by 19 incorrect amino acids. The c.1243_1259del17 variant was not observed in approximately 6500 individuals of European and African American ancestry in the NHLBI Exome Sequencing Project, indicating it is not a common benign variant in these populations. We interpret c.1243_1259del17 as a pathogenic variant.

NM_152424.4(AMER1):c.1243_1259del (p.Met415fs)

Gene: AMER1 (APC membrane recruitment protein 1; minus strand). Cytogenetic location: Xq11.2.
Variant type: Deletion.
Coding change: c.1243_1259del on transcript NM_152424.4 (MANE Select); coding-DNA positions 1243 to 1259, 17 bases deleted (ATGTATCCACGGCCCAA).
Protein change: p.Met415fs; shifts the reading frame from methionine 415.
Molecular consequence: frameshift variant.
Genome position (GRCh38, 1-based): chrX:64,192,028-64,192,044, TTGGGCCGTGGATACAT deleted on the plus strand (ATGTATCCACGGCCCAA on the coding strand, the reverse complement: AMER1 is on the minus strand); deleting any 17 consecutive bases within chrX:64,192,028-64,192,050 gives the same sequence; the c. name uses the placement nearest the transcript's 3' end. VCF-style (leftmost placement, unchanged base first): chrX-64192027-ATTGGGCCGTGGATACAT-A. GRCh37 (hg19) VCF-style: chrX-63411907-ATTGGGCCGTGGATACAT-A.
Other names: c.1243_1259delATGTATCCACGGCCCAA (NM_152424.3); short protein forms M415fs.
Identifiers: ClinVar variation 265617 (VCV000265617.2), dbSNP rs886039672, ClinGen allele CA10588794.